The following is an entry in ClinVar:

NM_001142864.4(PIEZO1):c.5532G>A (p.Val1844=)

Gene: PIEZO1 (piezo type mechanosensitive ion channel component 1 (Er blood group); minus strand). Cytogenetic location: 16q24.3.
Variant type: single nucleotide variant.
Coding change: c.5532G>A on transcript NM_001142864.4 (MANE Select); coding-DNA position 5532, G replaced by A.
Protein change: p.Val1844=; no amino-acid change (valine 1844 retained).
Molecular consequence: synonymous variant.
Genome position (GRCh38, 1-based): chr16:88,721,302, C>T on the plus strand (G>A on the coding strand, the complement: PIEZO1 is on the minus strand). VCF-style: chr16-88721302-C-T. GRCh37 (hg19) VCF-style: chr16-88787710-C-T.
Other names: c.4074G>A, p.Val1358= (NM_014745.1).
Identifiers: ClinVar variation 3237410 (VCV003237410.1), dbSNP rs2507848449.
Genomic context (GRCh38, chr16:88,721,302, plus strand): 5'-ACGGGGCCTGAGCTCCACTTGGGGTTCTGGGGTCCCGTCCGTGGGTCCGACCCTGGCTTC[C>T]ACCTGAATGTGGTCTTCGGTGGTGGCCGCAGGCACCCCTGGCCCCTCCTCGGCTCCCTGC-3'
Protein context (NP_001136336.2, residues 1834-1854): PAATTEDHIQ[Val1844=]EARVGPTDGT

ClinVar aggregate classification (germline): Uncertain significance (1 of 4 stars; one submission).

Conditions:
Lymphatic malformation 6 (LMPHM6). Also called: GENERALIZED LYMPHATIC DYSPLASIA OF FOTIOU; Lymphedema, hereditary, III; PIEZO1-related generalized lymphatic dysplasia with non-immune hydrops fetalis. Identifiers: Orphanet 568062, MedGen C4225184, MONDO:0014797, OMIM 616843.

Allele frequency attached by ClinVar (database versions not stated): gnomAD exomes below 0.00001.
gnomAD v4.1: 1 of 1,545,876 alleles (0.000065%); highest among the groups gnomAD compares: Non-Finnish European, 0.000087%; no homozygotes.

Submission:

Clinical Genomics Laboratory, Washington University in St. Louis
Classification: Uncertain significance for Lymphatic malformation 6. Last evaluated: 2024-02-09. Review status: criteria provided, single submitter. Criteria: ACMG Guidelines, 2015. Collection method: clinical testing. Allele origin: germline.
Comment: The PIEZO1 c.5532G>A (p.Val1844=) variant was identified at a near heterozygous allele fraction of 47%, a frequency which may be consistent with it being of germline origin. This variant, to our knowledge, has not been reported in the medical literature. The PIEZO1 c.5532G>A (p.Val1844=) variant is only observed on 1/1,393,606 alleles in the general population (gnomAD v4.0.0), indicating it is not a common variant. Computational predictors indicate that this variant would alter splicing, evidence that correlates to an impact of this variant on PIEZO1 function. Due to limited information, and based on ACMG/AMP guidelines for variant interpretation (Richards S et al., PMID: 25741868), the clinical significance of the PIEZO1 c.5532G>A (p.Val1844=) variant is uncertain at this time.